The following is an entry in ClinVar:

NM_006017.3(PROM1):c.2096_2097insATCTATACCAAAAGCGT (p.Lys700fs)

Gene: PROM1 (prominin 1; minus strand). Cytogenetic location: 4p15.32.
Variant type: Insertion.
Coding change: c.2096_2097insATCTATACCAAAAGCGT on transcript NM_006017.3 (MANE Select); coding-DNA positions 2096 to 2097, ATCTATACCAAAAGCGT inserted.
Protein change: p.Lys700fs; shifts the reading frame from lysine 700.
Molecular consequence: frameshift variant. On other transcripts: non-coding transcript variant (2).
Genome position: GRCh38 VCF-style: chr4-15987696-G-GACGCTTTTGGTATAGAT. GRCh37 (hg19) VCF-style: chr4-15989319-G-GACGCTTTTGGTATAGAT.
Other names: c.2069_2070insATCTATACCAAAAGCGT, p.Lys691fs (NM_001145847.2, NM_001145848.2, NM_001145851.2 and 6 more transcripts); c.2096_2097insATCTATACCAAAAGCGT, p.Lys700fs (NM_001145849.2, NM_001145850.2); c.1985_1986insATCTATACCAAAAGCGT, p.Lys663fs (NM_001441174.1); c.1976_1977insATCTATACCAAAAGCGT, p.Lys660fs (NM_001441176.1); c.1964_1965insATCTATACCAAAAGCGT, p.Lys656fs (NM_001441177.1); c.1904_1905insATCTATACCAAAAGCGT, p.Lys636fs (NM_001441178.1); c.1730_1731insATCTATACCAAAAGCGT, p.Lys578fs (NM_001441179.1); short protein forms K578fs, K636fs, K656fs, K660fs, K663fs, K691fs, K700fs.
Identifiers: ClinVar variation 4880807 (VCV004880807.2).

ClinVar aggregate classification (germline): Likely pathogenic (1 of 4 stars; one submission).

Conditions:
PROM1-related recessive retinopathy. Identifiers: MedGen CN378638, MONDO:1040052.

Submission:

Dasa
Classification: Likely pathogenic for PROM1-related recessive retinopathy. Last evaluated: 2025-08-11. Review status: criteria provided, single submitter. Criteria: DASA Assertion Criteria. Collection method: clinical testing. Allele origin: germline.
Comment: NM_006017.3(PROM1):c.2096_2097insATCTATACCAAAAGCGT (p.Lys700Serfs*20) is a frameshift variant in PROM1 predicted to alter the reading frame and introduce a premature termination codon and is predicted to result in an absent or altered protein product. Loss of function is an established disease mechanism for PROM1-associated disorders. Also, this variant is absent from population databases. Based on the currently available evidence, this variant is classified as likely pathogenic.